The following is an entry in ClinVar:

ClinVar aggregate classification (germline): Uncertain significance (1 of 4 stars; one submission).

Conditions:
Psoriasis 2. Identifiers: MedGen C1864497, MONDO:0011269, OMIM 602723.
Pityriasis rubra pilaris (PRP). Also called: Pityriasis rubra pilaris--familial type. Identifiers: Orphanet 2897, MedGen C0032027, MONDO:0100017, OMIM 173200, MONDO:0008251.

Submission:

Labcorp Genetics (formerly Invitae), Labcorp
Classification: Uncertain significance for Pityriasis rubra pilaris; Psoriasis 2. Last evaluated: 2023-11-27. Review status: criteria provided, single submitter. Criteria: Invitae Variant Classification Sherloc (09022015). Collection method: clinical testing. Allele origin: germline.
Comment: This sequence change replaces lysine, which is basic and polar, with methionine, which is neutral and non-polar, at codon 655 of the CARD14 protein (p.Lys655Met). This variant is not present in population databases (gnomAD no frequency). This variant has not been reported in the literature in individuals affected with CARD14-related conditions. Advanced modeling of protein sequence and biophysical properties (such as structural, functional, and spatial information, amino acid conservation, physicochemical variation, residue mobility, and thermodynamic stability) performed at Invitae indicates that this missense variant is expected to disrupt CARD14 protein function with a positive predictive value of 80%. In summary, the available evidence is currently insufficient to determine the role of this variant in disease. Therefore, it has been classified as a Variant of Uncertain Significance.

NM_001366385.1(CARD14):c.1964A>T (p.Lys655Met)

Genes: SGSH (N-sulfoglucosamine sulfohydrolase; minus strand), CARD14 (caspase recruitment domain family member 14; plus strand). Cytogenetic location: 17q25.3.
Variant type: single nucleotide variant.
Coding change: c.1964A>T on transcript NM_001366385.1 (MANE Select); coding-DNA position 1964, A replaced by T.
Protein change: p.Lys655Met; replaces lysine 655 with methionine.
Molecular consequence: missense variant. On other transcripts: non-coding transcript variant (1).
Genome position (GRCh38, 1-based): chr17:80,201,856, A>T. VCF-style: chr17-80201856-A-T. GRCh37 (hg19) VCF-style: chr17-78175655-A-T.
Other names: c.1964A>T, p.Lys655Met (NM_001257970.1, NM_024110.4); short protein forms K655M.
Identifiers: ClinVar variation 2950818 (VCV002950818.3), dbSNP rs2510713427, ClinGen allele CA401352708.